The following is an entry in ClinVar:

ClinVar aggregate classification (germline): Likely benign (1 of 4 stars; one submission).

Submissions (10):

CeGaT Center for Human Genetics Tuebingen
Classification: Likely benign. Last evaluated: 2025-08-01. Review status: criteria provided, single submitter. Criteria: CeGaT Center For Human Genetics Tuebingen Variant Classification Criteria Version 2. Collection method: clinical testing. Allele origin: germline. Affected: yes. Observed: 1 variant allele.
Comment: TRIM16: BP4, BP7

Dr. Peter K. Rogan Lab, Western University
No classification provided (evidence only). Condition: Colon adenocarcinoma. Review status: no classification provided. Collection method: in vitro. Allele origin: not applicable. Functional consequence: retained intron. Not counted in ClinVar's aggregate classification.

Dr. Peter K. Rogan Lab, Western University
No classification provided (evidence only). Condition: Thyroid cancer, nonmedullary, 1. Review status: no classification provided. Collection method: in vitro. Allele origin: not applicable. Functional consequence: retained intron. Not counted in ClinVar's aggregate classification.

Dr. Peter K. Rogan Lab, Western University
No classification provided (evidence only). Condition: Uterine corpus endometrial carcinoma. Review status: no classification provided. Collection method: in vitro. Allele origin: not applicable. Functional consequence: retained intron. Not counted in ClinVar's aggregate classification.

Dr. Peter K. Rogan Lab, Western University
No classification provided (evidence only). Condition: Cervical cancer. Review status: no classification provided. Collection method: in vitro. Allele origin: not applicable. Functional consequence: skipped exon. Not counted in ClinVar's aggregate classification.

Dr. Peter K. Rogan Lab, Western University
No classification provided (evidence only). Condition: Cervical cancer. Review status: no classification provided. Collection method: in vitro. Allele origin: not applicable. Functional consequence: skipped exon. Not counted in ClinVar's aggregate classification.

Dr. Peter K. Rogan Lab, Western University
No classification provided (evidence only). Condition: Cervical cancer. Review status: no classification provided. Collection method: in vitro. Allele origin: not applicable. Functional consequence: skipped exon, retained intron. Not counted in ClinVar's aggregate classification.

Dr. Peter K. Rogan Lab, Western University
No classification provided (evidence only). Condition: Sarcoma. Review status: no classification provided. Collection method: in vitro. Allele origin: not applicable. Functional consequence: retained intron. Not counted in ClinVar's aggregate classification.

Dr. Peter K. Rogan Lab, Western University
No classification provided (evidence only). Condition: Malignant tumor of esophagus. Review status: no classification provided. Collection method: in vitro. Allele origin: not applicable. Functional consequence: retained intron. Not counted in ClinVar's aggregate classification.

Dr. Peter K. Rogan Lab, Western University
No classification provided (evidence only). Condition: Malignant tumor of esophagus. Review status: no classification provided. Collection method: in vitro. Allele origin: not applicable. Functional consequence: skipped exon, retained intron. Not counted in ClinVar's aggregate classification.

NM_001348119.1(TRIM16):c.795C>T (p.Ser265=)

Gene: TRIM16 (tripartite motif containing 16; minus strand). Cytogenetic location: 17p12.
Variant type: single nucleotide variant.
Coding change: c.795C>T on transcript NM_001348119.1 (MANE Select); coding-DNA position 795, C replaced by T.
Protein change: p.Ser265=; no amino-acid change (serine 265 retained).
Molecular consequence: synonymous variant.
Genome position (GRCh38, 1-based): chr17:15,636,090, G>A on the plus strand (C>T on the coding strand, the complement: TRIM16 is on the minus strand). VCF-style: chr17-15636090-G-A. GRCh37 (hg19) VCF-style: chr17-15539404-G-A.
Other names: NC_000017.10:g.15539404G>A; c.795C>T, p.Ser265= (NM_001348120.1, NM_006470.4); c.405C>T, p.Ser135= (NM_001348121.1, NM_001348122.1); c.147C>T, p.Ser49= (NM_001348124.1, NM_001348125.1); c.309C>T, p.Ser103= (NM_001348126.1).
Identifiers: ClinVar variation 4083606 (VCV004083606.9).